The following is an entry in ClinVar:

ClinVar aggregate classification (germline): Likely pathogenic (1 of 4 stars; one submission).

Conditions:
Retinitis pigmentosa 39 (RP39). Identifiers: Orphanet 791, MedGen C3151138, MONDO:0013436, OMIM 613809.

Submission:

DBGen Ocular Genomics
Classification: Likely pathogenic for Retinitis pigmentosa 39. Last evaluated: 2022-01-01. Review status: criteria provided, single submitter. Criteria: ACMG Guidelines, 2015. Collection method: clinical testing. Allele origin: unknown. Inheritance: Autosomal recessive inheritance. Affected: yes.
Comment: Class 4 ACMG Guidelines, 2015 (PMID:25741868)

NM_206933.4(USH2A):c.1106T>A (p.Val369Glu)

Gene: USH2A (usherin; minus strand). Cytogenetic location: 1q41.
Variant type: single nucleotide variant.
Coding change: c.1106T>A on transcript NM_206933.4 (MANE Select); coding-DNA position 1106, T replaced by A.
Protein change: p.Val369Glu; replaces valine 369 with glutamic acid.
Molecular consequence: missense variant.
Genome position (GRCh38, 1-based): chr1:216,325,342, A>T on the plus strand (T>A on the coding strand, the complement: USH2A is on the minus strand). VCF-style: chr1-216325342-A-T. GRCh37 (hg19) VCF-style: chr1-216498684-A-T.
Other names: c.1106T>A, p.Val369Glu (NM_007123.6); short protein forms V369E.
Identifiers: ClinVar variation 2628036 (VCV002628036.2), dbSNP rs2527439727, ClinGen allele CA344912242.